The following is an entry in ClinVar:

ClinVar aggregate classification (germline): Pathogenic (1 of 4 stars; one submission).

Conditions:
Multiple congenital anomalies-hypotonia-seizures syndrome 1 (MCAHS1). Also called: PIGN-CDG; Congenital disorder of glycosylation due to PIGN deficiency; GLYCOSYLPHOSPHATIDYLINOSITOL BIOSYNTHESIS DEFECT 3. Identifiers: Orphanet 280633, MedGen C3279775, MONDO:0013563, OMIM 614080.

Submission:

Labcorp Genetics (formerly Invitae), Labcorp
Classification: Pathogenic for Multiple congenital anomalies-hypotonia-seizures syndrome 1. Last evaluated: 2022-12-20. Review status: criteria provided, single submitter. Criteria: Invitae Variant Classification Sherloc (09022015). Collection method: clinical testing. Allele origin: germline.
Comment: For these reasons, this variant has been classified as Pathogenic. Algorithms developed to predict the effect of sequence changes on RNA splicing suggest that this variant may disrupt the consensus splice site. This variant has not been reported in the literature in individuals affected with PIGN-related conditions. This variant is not present in population databases (gnomAD no frequency). This sequence change creates a premature translational stop signal (p.Glu202Asnfs*29) in the PIGN gene. It is expected to result in an absent or disrupted protein product. Loss-of-function variants in PIGN are known to be pathogenic (PMID: 24253414, 27038415).

Literature cited by the submitters: PubMed 24253414; PubMed 27038415.

NM_176787.5(PIGN):c.604_608del (p.Glu202fs)

Gene: PIGN (phosphatidylinositol glycan anchor biosynthesis class N; minus strand). Cytogenetic location: 18q21.33.
Variant type: Deletion.
Coding change: c.604_608del on transcript NM_176787.5 (MANE Select); coding-DNA positions 604 to 608, 5 bases deleted (GAGAA; older notation c.604_608delGAGAA).
Protein change: p.Glu202fs; shifts the reading frame from glutamic acid 202.
Molecular consequence: frameshift variant.
Genome position (GRCh38, 1-based): chr18:62,148,280-62,148,284, TTCTC deleted on the plus strand (GAGAA on the coding strand, the reverse complement: PIGN is on the minus strand); deleting any 5 consecutive bases within chr18:62,148,280-62,148,287 gives the same sequence; the c. name uses the placement nearest the transcript's 3' end. VCF-style (leftmost placement, unchanged base first): chr18-62148279-TTTCTC-T. GRCh37 (hg19) VCF-style: chr18-59815512-TTTCTC-T.
Other names: c.604_608del, p.Glu202fs (NM_012327.6); short protein forms E202fs.
Identifiers: ClinVar variation 2822387 (VCV002822387.3), dbSNP rs2036408587, ClinGen allele CA991019226.